The following is an entry in ClinVar:

ClinVar aggregate classification (germline): Likely benign (1 of 4 stars; one submission).

Allele frequency attached by ClinVar (database versions not stated): ExAC 0.00001; TOPMed 0.00001; gnomAD exomes 0.00002.
gnomAD v4.1: 10 of 1,614,062 alleles (0.00062%); highest among the groups gnomAD compares: Non-Finnish European, 0.00085%; 1 homozygote.

Submission:

CeGaT Center for Human Genetics Tuebingen
Classification: Likely benign. Last evaluated: 2022-04-01. Review status: criteria provided, single submitter. Criteria: CeGaT Center For Human Genetics Tuebingen Variant Classification Criteria Version 2. Collection method: clinical testing. Allele origin: germline. Affected: yes. Observed: 1 variant allele.
Comment: TPR: BP4, BP7

NM_003292.3(TPR):c.2310A>G (p.Ala770=)

Gene: TPR (translocated promoter region, nuclear basket protein; minus strand). Cytogenetic location: 1q31.1.
Variant type: single nucleotide variant.
Coding change: c.2310A>G on transcript NM_003292.3 (MANE Select); coding-DNA position 2310, A replaced by G.
Protein change: p.Ala770=; no amino-acid change (alanine 770 retained).
Molecular consequence: synonymous variant.
Genome position (GRCh38, 1-based): chr1:186,353,712, T>C on the plus strand (A>G on the coding strand, the complement: TPR is on the minus strand). VCF-style: chr1-186353712-T-C. GRCh37 (hg19) VCF-style: chr1-186322844-T-C.
Identifiers: ClinVar variation 2639667 (VCV002639667.24), dbSNP rs758014379, ClinGen allele CA1298118.